The following is an entry in ClinVar:

ClinVar aggregate classification (germline): Uncertain significance. Review status: reviewed by expert panel (3 of 4 stars). 2 submissions from 2 submitters: Uncertain significance (1). 1 of the submissions does not count toward it. Last evaluated 2020-04-10.

Conditions:
Phenylketonuria (PKU). Also called: Phenylketonuria (PKU); FOLLING DISEASE; OLIGOPHRENIA PHENYLPYRUVICA; Phenylketonurias. Identifiers: Orphanet 716, MedGen C0031485, MONDO:0009861, OMIM 261600. Disease mechanism: loss of function.

Submissions (2):

ClinGen PAH Variant Curation Expert Panel
Classification: Uncertain significance for Phenylketonuria. Last evaluated: 2020-04-10. Review status: reviewed by expert panel. Criteria: ClinGen PAH ACMG Specifications v1. Collection method: curation. Allele origin: germline. Inheritance: Autosomal recessive inheritance.
Comment: The c.1004A>C (p.Lys335Thr) variant in PAH has not been reported in a patient to our knowledge. It was reported to BioPKU in 2013 by Namour B. This variant is absent in population databases. Multiple lines of computational evidence support a deleterious effect. In summary, this variant meets criteria to be classified as uncertain significance for PAH. PAH-specific ACMG/AMP criteria applied: PM2, PP3.

Inserm U 954, Faculté de Médecine de Nancy
Classification: Likely pathogenic for Phenylketonuria. Review status: no assertion criteria provided. Collection method: not provided. Allele origin: unknown. Not counted in ClinVar's aggregate classification.
ClinVar note: Converted during submission from probable-pathogenic to Likely pathogenic.

NM_000277.3(PAH):c.1004A>C (p.Lys335Thr)

Gene: PAH (phenylalanine hydroxylase; minus strand). Cytogenetic location: 12q23.2.
Variant type: single nucleotide variant.
Coding change: c.1004A>C on transcript NM_000277.3 (MANE Select); coding-DNA position 1004, A replaced by C.
Protein change: p.Lys335Thr; replaces lysine 335 with threonine.
Molecular consequence: missense variant.
Genome position (GRCh38, 1-based): chr12:102,844,397, T>G on the plus strand (A>C on the coding strand, the complement: PAH is on the minus strand). VCF-style: chr12-102844397-T-G. GRCh37 (hg19) VCF-style: chr12-103238175-T-G.
Other names: c.1004A>C, p.Lys335Thr (NM_001354304.2); short protein forms K335T.
Identifiers: ClinVar variation 120257 (VCV000120257.3), dbSNP rs281865434, ClinGen allele CA267623.